The following is an entry in ClinVar:

ClinVar aggregate classification (germline): Uncertain significance (1 of 4 stars; one submission).

Allele frequency attached by ClinVar (database versions not stated): gnomAD 0.00001; gnomAD exomes 0.00001; TOPMed 0.00001.
gnomAD v4.1: 10 of 1,614,094 alleles (0.00062%); highest among the groups gnomAD compares: Middle Eastern, 0.016%; no homozygotes.

Submission:

GeneDx
Classification: Uncertain significance. Last evaluated: 2022-11-07. Review status: criteria provided, single submitter. Criteria: GeneDx Variant Classification Process June 2021. Collection method: clinical testing. Allele origin: germline. Affected: yes.
Comment: In silico analysis supports that this missense variant has a deleterious effect on protein structure/function; Has not been previously published as pathogenic or benign to our knowledge

NM_014918.5(CHSY1):c.1303G>A (p.Gly435Ser)

Gene: CHSY1 (chondroitin sulfate synthase 1; minus strand). Cytogenetic location: 15q26.3.
Variant type: single nucleotide variant.
Coding change: c.1303G>A on transcript NM_014918.5 (MANE Select); coding-DNA position 1303, G replaced by A.
Protein change: p.Gly435Ser; replaces glycine 435 with serine.
Molecular consequence: missense variant.
Genome position (GRCh38, 1-based): chr15:101,178,494, C>T on the plus strand (G>A on the coding strand, the complement: CHSY1 is on the minus strand). VCF-style: chr15-101178494-C-T. GRCh37 (hg19) VCF-style: chr15-101718699-C-T.
Other names: short protein forms G435S.
Identifiers: ClinVar variation 2501454 (VCV002501454.1), dbSNP rs1308124308, ClinGen allele CA393961329.